The following is an entry in ClinVar:

NM_001379451.1(BCORL1):c.279C>T (p.Asp93=)

Gene: BCORL1 (BCL6 corepressor like 1; plus strand). Cytogenetic location: Xq26.1.
Variant type: single nucleotide variant.
Coding change: c.279C>T on transcript NM_001379451.1 (MANE Select); coding-DNA position 279, C replaced by T.
Protein change: p.Asp93=; no amino-acid change (aspartic acid 93 retained).
Molecular consequence: synonymous variant.
Genome position (GRCh38, 1-based): chrX:130,013,051, C>T. VCF-style: chrX-130013051-C-T. GRCh37 (hg19) VCF-style: chrX-129147027-C-T.
Other names: c.279C>T, p.Asp93= (NM_001184772.3, NM_001379450.1, NM_001441326.1 and 7 more transcripts).
Identifiers: ClinVar variation 4872332 (VCV004872332.2).

ClinVar aggregate classification (germline): Likely benign (1 of 4 stars; one submission).

gnomAD v4.1: 184 of 1,209,517 alleles (0.015%); highest among the groups gnomAD compares: South Asian, 0.18%; no homozygotes.

Submission:

CeGaT Center for Human Genetics Tuebingen
Classification: Likely benign. Last evaluated: 2026-05-01. Review status: criteria provided, single submitter. Criteria: CeGaT Center For Human Genetics Tuebingen Variant Classification Criteria Version 2. Collection method: clinical testing. Allele origin: germline. Affected: yes. Observed: 1 variant allele.
Comment: BCORL1: BP4, BP7, BS2